The following is an entry in ClinVar:

ClinVar aggregate classification (germline): Likely benign (1 of 4 stars; one submission).

Conditions:
OFD1-related disorder. Also called: OFD1-related condition.

Submission:

PreventionGenetics, part of Exact Sciences
Classification: Likely benign for OFD1-related condition. Last evaluated: 2026-06-27. Review status: criteria provided, single submitter. Criteria: ACMG Guidelines, 2015. Collection method: clinical testing. Allele origin: germline.
Comment: This variant is classified as likely benign based on ACMG/AMP sequence variant interpretation guidelines (Richards et al. 2015 PMID: 25741868, with internal and published modifications).

NM_003611.3(OFD1):c.1130-28G>A

Gene: OFD1 (OFD1 centriole and centriolar satellite protein; plus strand). Cytogenetic location: Xp22.2.
Variant type: single nucleotide variant.
Coding change: c.1130-28G>A on transcript NM_003611.3 (MANE Select); 28 bases into the intron before coding-DNA position 1130, G replaced by A.
Molecular consequence: intron variant.
Genome position (GRCh38, 1-based): chrX:13,755,123, G>A. VCF-style: chrX-13755123-G-A. GRCh37 (hg19) VCF-style: chrX-13773242-G-A.
Other names: c.710-28G>A (NM_001330210.2); c.1130-28G>A (NM_001440947.1); c.1010-28G>A (NM_001330209.2, NM_001440948.1).
Identifiers: ClinVar variation 4985188 (VCV004985188.1).